The following is an entry in ClinVar:

NM_000465.4(BARD1):c.212G>C (p.Cys71Ser)

Gene: BARD1 (BRCA1 associated RING domain 1; minus strand). Cytogenetic location: 2q35.
Variant type: single nucleotide variant.
Coding change: c.212G>C on transcript NM_000465.4 (MANE Select); coding-DNA position 212, G replaced by C.
Protein change: p.Cys71Ser; replaces cysteine 71 with serine.
Molecular consequence: missense variant. On other transcripts: non-coding transcript variant (2), intron variant (2).
Genome position (GRCh38, 1-based): chr2:214,797,064, C>G on the plus strand (G>C on the coding strand, the complement: BARD1 is on the minus strand). VCF-style: chr2-214797064-C-G. GRCh37 (hg19) VCF-style: chr2-215661788-C-G.
Other names: c.212G>C, p.Cys71Ser (NM_001282545.2, NM_001282549.2); c.158+12348G>C (NM_001282548.2); c.159-4619G>C (NM_001282543.2); short protein forms C71S.
Identifiers: ClinVar variation 2418900 (VCV002418900.7), dbSNP rs1064793959, ClinGen allele CA350462133.

ClinVar aggregate classification (germline): Conflicting classifications of pathogenicity. Review status: criteria provided, conflicting classifications (1 of 4 stars). 2 submissions from 2 submitters: Likely pathogenic (1); Uncertain significance (1). Last evaluated 2025-06-18.

Conditions:
Hereditary cancer-predisposing syndrome. Also called: Tumor predisposition; Hereditary Cancer Syndrome; Neoplastic Syndromes, Hereditary; Hereditary neoplastic syndrome. Identifiers: Orphanet 140162, MedGen C0027672, MeSH D009386, MONDO:0015356.
Familial cancer of breast. Also called: hereditary breast carcinoma; BREAST CANCER, FAMILIAL; Hereditary breast cancer. Identifiers: Orphanet 227535, MedGen C0346153, MONDO:0016419, OMIM 114480. Disease mechanism: loss of function.

Submissions (2):

Color Diagnostics, LLC DBA Color Health
Classification: Likely pathogenic for Hereditary cancer-predisposing syndrome. Last evaluated: 2025-06-18. Review status: criteria provided, single submitter. Criteria: ACMG Guidelines, 2015. Collection method: clinical testing. Allele origin: germline.
Comment: This missense variant replaces cysteine with serine at codon 71 in the RING domain of the BARD1 protein. This variant alters one of the zinc-binding residues of the RING domain that is thought to be important for BARD1 protein function (PMID: 29367421). Computational prediction suggests that this variant may have deleterious impact on protein structure and function. To our knowledge, functional studies have not been reported for this variant. This variant has been reported in an individual affected with familial breast cancer (PMID: 31036035). This variant has not been identified in the general population by the Genome Aggregation Database (gnomAD). A different missense variant affecting the same codon position, p.Cys71Tyr, is known to disrupt BARD1 protein function (PMID: 26350354, 29367421) and is reported as disease-causing (ClinVar variation ID: 978478). Based on the available evidence, this variant is classified as Likely Pathogenic.

Labcorp Genetics (formerly Invitae), Labcorp
Classification: Uncertain significance for Familial cancer of breast. Last evaluated: 2022-09-25. Review status: criteria provided, single submitter. Criteria: Invitae Variant Classification Sherloc (09022015). Collection method: clinical testing. Allele origin: germline.
Comment: This sequence change replaces cysteine, which is neutral and slightly polar, with serine, which is neutral and polar, at codon 71 of the BARD1 protein (p.Cys71Ser). This variant is not present in population databases (gnomAD no frequency). This missense change has been observed in individual(s) with breast cancer (PMID: 31036035). Algorithms developed to predict the effect of missense changes on protein structure and function (SIFT, PolyPhen-2, Align-GVGD) all suggest that this variant is likely to be disruptive. This variant disrupts the p.Cys71 amino acid residue in BARD1. Other variant(s) that disrupt this residue have been determined to be pathogenic (PMID: 26350354, 29367421). This suggests that this residue is clinically significant, and that variants that disrupt this residue are likely to be disease-causing. In summary, the available evidence is currently insufficient to determine the role of this variant in disease. Therefore, it has been classified as a Variant of Uncertain Significance.

Literature cited by the submitters: PubMed 26350354 (cited by Color Diagnostics, LLC DBA Color Health and Labcorp Genetics (formerly Invitae), Labcorp); PubMed 29367421 (cited by Color Diagnostics, LLC DBA Color Health and Labcorp Genetics (formerly Invitae), Labcorp); PubMed 31036035 (cited by Color Diagnostics, LLC DBA Color Health and Labcorp Genetics (formerly Invitae), Labcorp); PubMed 32957588 (cited by Color Diagnostics, LLC DBA Color Health).